The following is an entry in ClinVar:

NM_001032283.3(TMPO):c.565+1095G>C

Gene: TMPO (thymopoietin; plus strand). Cytogenetic location: 12q23.1.
Variant type: single nucleotide variant.
Coding change: c.565+1095G>C on transcript NM_001032283.3 (MANE Select); 1095 bases into the intron after coding-DNA position 565, G replaced by C.
Molecular consequence: intron variant. On other transcripts: missense variant (1).
Genome position (GRCh38, 1-based): chr12:98,532,933, G>C. VCF-style: chr12-98532933-G-C. GRCh37 (hg19) VCF-style: chr12-98926711-G-C.
Other names: c.676G>C, p.Glu226Gln (NM_003276.2); c.565+1095G>C (NM_001307975.2, NM_001032284.3); short protein forms E226Q.
Identifiers: ClinVar variation 1755346 (VCV001755346.2), dbSNP rs2548502814, ClinGen allele CA386151576.

ClinVar aggregate classification (germline): Uncertain significance (1 of 4 stars; one submission).

Submission:

Ambry Genetics
Classification: Uncertain significance. Last evaluated: 2022-10-03. Review status: criteria provided, single submitter. Criteria: Ambry Variant Classification Scheme 2023. Collection method: clinical testing. Allele origin: germline.
Comment: The p.E226Q variant (also known as c.676G>C), located in coding exon 4 of the TMPO gene, results from a G to C substitution at nucleotide position 676. The glutamic acid at codon 226 is replaced by glutamine, an amino acid with highly similar properties. This amino acid position is conserved. In addition, this alteration is predicted to be tolerated by in silico analysis. Since supporting evidence is limited at this time, the clinical significance of this alteration remains unclear.